The following is an entry in ClinVar:

ClinVar aggregate classification (germline): Uncertain significance (0 of 4 stars; one submission).

Conditions:
POU4F3-related disorder. Also called: POU4F3-related condition.

Submission:

PreventionGenetics, part of Exact Sciences
Classification: Uncertain significance for POU4F3-related condition. Last evaluated: 2024-08-13. Review status: no assertion criteria provided. Collection method: clinical testing. Allele origin: germline.
Comment: The POU4F3 c.377C>A variant is predicted to result in the amino acid substitution p.Thr126Lys. To our knowledge, this variant has not been reported in the literature. This variant is reported in 0.0018% of alleles in individuals of European (Non-Finnish) descent in gnomAD. At this time, the clinical significance of this variant is uncertain due to the absence of conclusive functional and genetic evidence.

NM_002700.3(POU4F3):c.377C>A (p.Thr126Lys)

Genes: POU4F3 (POU class 4 homeobox 3; plus strand), LOC127814297 (RBM27-POU4F3; plus strand). Cytogenetic location: 5q32.
Variant type: single nucleotide variant.
Coding change: c.377C>A on transcript NM_002700.3 (MANE Select); coding-DNA position 377, C replaced by A.
Protein change: p.Thr126Lys; replaces threonine 126 with lysine.
Molecular consequence: missense variant. On other transcripts: 3 prime UTR variant (1).
Genome position (GRCh38, 1-based): chr5:146,339,804, C>A. VCF-style: chr5-146339804-C-A. GRCh37 (hg19) VCF-style: chr5-145719367-C-A.
Other names: c.*246C>A (NM_001414499.1); short protein forms T126K.
Identifiers: ClinVar variation 3353520 (VCV003353520.1).